The following is an entry in ClinVar:

ClinVar aggregate classification (germline): Uncertain significance. Review status: criteria provided, multiple submitters, no conflicts (2 of 4 stars). 2 submissions from 2 submitters: Uncertain significance (2). Last evaluated 2023-04-18.

Submissions (2):

GeneDx
Classification: Uncertain significance. Last evaluated: 2023-04-18. Review status: criteria provided, single submitter. Criteria: GeneDx Variant Classification Process June 2021. Collection method: clinical testing. Allele origin: germline. Affected: yes.
Comment: Has not been previously published as pathogenic or benign to our knowledge; Not observed at significant frequency in large population cohorts (gnomAD); In silico analysis supports that this missense variant has a deleterious effect on protein structure/function

Quest Diagnostics Nichols Institute San Juan Capistrano
Classification: Uncertain significance. Last evaluated: 2016-10-03. Review status: criteria provided, single submitter. Criteria: Quest Diagnostics criteria. Collection method: clinical testing. Allele origin: germline.

NM_001370658.1(BTD):c.196A>G (p.Met66Val)

Gene: BTD (biotinidase; plus strand). Cytogenetic location: 3p25.1.
Variant type: single nucleotide variant.
Coding change: c.196A>G on transcript NM_001370658.1 (MANE Select); coding-DNA position 196, A replaced by G.
Protein change: p.Met66Val; replaces methionine 66 with valine.
Molecular consequence: missense variant.
Genome position (GRCh38, 1-based): chr3:15,635,635, A>G. VCF-style: chr3-15635635-A-G. GRCh37 (hg19) VCF-style: chr3-15677142-A-G.
Other names: c.256A>G, p.Met86Val (NM_000060.4); c.196A>G, p.Met66Val (NM_001281723.4, NM_001281724.3, NM_001281725.3 and 37 more transcripts); short protein forms M66V.
Identifiers: ClinVar variation 439036 (VCV000439036.4), dbSNP rs1553652148, ClinGen allele CA351603804.